The following is an entry in ClinVar:

ClinVar aggregate classification (germline): Uncertain significance. Review status: criteria provided, multiple submitters, no conflicts (2 of 4 stars). 4 submissions from 4 submitters: Uncertain significance (4). Last evaluated 2025-12-30.

Conditions:
Otitis media, susceptibility to (OMS). Also called: COME/ROM; OTITIS MEDIA, CHRONIC/RECURRENT. Identifiers: MedGen C1833692, MONDO:0008162, OMIM 166760.
A2ML1-related disorder. Also called: A2ML1-related condition.

gnomAD v4.1: 354 of 1,613,802 alleles (0.022%); highest among the groups gnomAD compares: Non-Finnish European, 0.029%; no homozygotes.

Submissions (4):

Labcorp Genetics (formerly Invitae), Labcorp
Classification: Uncertain significance. Last evaluated: 2025-12-30. Review status: criteria provided, single submitter. Criteria: Invitae Variant Classification Sherloc (09022015). Collection method: clinical testing. Allele origin: germline.
Comment: This sequence change replaces arginine, which is basic and polar, with tryptophan, which is neutral and slightly polar, at codon 97 of the A2ML1 protein (p.Arg97Trp). This variant is present in population databases (rs199701571, gnomAD 0.009%). This variant has not been reported in the literature in individuals affected with A2ML1-related conditions. ClinVar contains an entry for this variant (Variation ID: 1050895). An algorithm developed to predict the effect of missense changes on protein structure and function outputs the following: PolyPhen-2: "Benign". The tryptophan amino acid residue is found in multiple mammalian species, which suggests that this missense change does not adversely affect protein function. In summary, the available evidence is currently insufficient to determine the role of this variant in disease. Therefore, it has been classified as a Variant of Uncertain Significance.

Ambry Genetics
Classification: Uncertain significance. Last evaluated: 2025-08-21. Review status: criteria provided, single submitter. Criteria: Ambry Variant Classification Scheme 2023. Collection method: clinical testing. Allele origin: germline.

PreventionGenetics, part of Exact Sciences
Classification: Uncertain significance for A2ML1-related condition. Last evaluated: 2025-02-11. Review status: criteria provided, single submitter. Criteria: ACMG Guidelines, 2015. Collection method: clinical testing. Allele origin: germline.
Comment: The A2ML1 c.289C>T variant is predicted to result in the amino acid substitution p.Arg97Trp. To our knowledge, this variant has not been reported in the literature. This variant is reported in 0.0083% of alleles in individuals of African descent in gnomAD. At this time, the clinical significance of this variant is uncertain due to the absence of conclusive functional and genetic evidence.

Fulgent Genetics
Classification: Uncertain significance for Otitis media, susceptibility to. Last evaluated: 2021-12-29. Review status: criteria provided, single submitter. Criteria: ACMG Guidelines, 2015. Collection method: clinical testing. Allele origin: unknown.

NM_144670.6(A2ML1):c.289C>T (p.Arg97Trp)

Genes: A2ML1 (alpha-2-macroglobulin like 1; plus strand), A2ML1-AS1 (A2ML1 antisense RNA 1; minus strand). Cytogenetic location: 12p13.31.
Variant type: single nucleotide variant.
Coding change: c.289C>T on transcript NM_144670.6 (MANE Select); coding-DNA position 289, C replaced by T.
Protein change: p.Arg97Trp; replaces arginine 97 with tryptophan.
Molecular consequence: missense variant.
Genome position (GRCh38, 1-based): chr12:8,823,762, C>T. VCF-style: chr12-8823762-C-T. GRCh37 (hg19) VCF-style: chr12-8976358-C-T.
Other names: c.289C>T (NM_144670.3, NM_144670.5); short protein forms R97W.
Identifiers: ClinVar variation 1050895 (VCV001050895.13), dbSNP rs199701571, ClinGen allele CA6435228.